The following is an entry in ClinVar:

NM_000038.6(APC):c.-7G>T

Gene: APC (APC regulator of Wnt signaling pathway; plus strand). Cytogenetic location: 5q22.2.
Variant type: single nucleotide variant.
Coding change: c.-7G>T on transcript NM_000038.6 (MANE Select); 7 bases upstream of the start codon, G replaced by T.
Molecular consequence: 5 prime UTR variant. On other transcripts: non-coding transcript variant (2), intron variant (11).
Genome position (GRCh38, 1-based): chr5:112,754,884, G>T. VCF-style: chr5-112754884-G-T. GRCh37 (hg19) VCF-style: chr5-112090581-G-T.
Other names: c.-7G>T (NM_001127510.3, NM_001354895.2, NM_001354896.2 and 16 more transcripts); c.-1042G>T (NM_001354906.2, NM_001407470.1, NM_001407471.1 and 1 more transcripts); c.166-11442G>T (NM_001407446.1, NM_001354897.2, NM_001354902.2 and 1 more transcripts); c.-42-11442G>T (NM_001407453.1, NM_001354900.2, NM_001354901.2 and 1 more transcripts); c.61-11442G>T (NM_001407451.1, NM_001354898.2, NM_001354904.2).
Identifiers: ClinVar variation 3074852 (VCV003074852.2), dbSNP rs2532133135, ClinGen allele CA2825001320.

ClinVar aggregate classification (germline): Uncertain significance. Review status: criteria provided, multiple submitters, no conflicts (2 of 4 stars). 2 submissions from 2 submitters: Uncertain significance (2). Last evaluated 2023-12-13.

Conditions:
Classic or attenuated familial adenomatous polyposis. Identifiers: MedGen CN372698, MONDO:0021057.
Hereditary cancer-predisposing syndrome. Also called: Neoplastic Syndromes, Hereditary; Tumor predisposition; Hereditary neoplastic syndrome; Hereditary Cancer Syndrome. Identifiers: Orphanet 140162, MedGen C0027672, MeSH D009386, MONDO:0015356.

Submissions (2):

All of Us Research Program, National Institutes of Health
Classification: Uncertain significance for Classic or attenuated familial adenomatous polyposis. Last evaluated: 2023-12-13. Review status: criteria provided, single submitter. Criteria: ACMG Guidelines, 2015. Collection method: clinical testing. Allele origin: germline. Inheritance: Autosomal dominant inheritance. Observed: 1 variant allele, 1 heterozygote.
Comment: This variant causes a G to T nucleotide change at the -7 position in the 5' untranslated region of the APC gene. Splice site prediction tools suggest that this variant may not impact RNA splicing. To our knowledge, functional studies have not been reported for this variant. This variant has not been reported in individuals affected with APC-related disorders in the literature. This variant has not been identified in the general population by the Genome Aggregation Database (gnomAD). The available evidence is insufficient to determine the role of this variant in disease conclusively. Therefore, this variant is classified as a Variant of Uncertain Significance.

This study involves interpretation of variants in research participants for the purpose of population health screening. Participant phenotype was not available at the time of variant classification. Additional details can be found in publication PMID: 35346344, PMCID: PMC8962531

Color Diagnostics, LLC DBA Color Health
Classification: Uncertain significance for Hereditary cancer-predisposing syndrome. Last evaluated: 2023-11-09. Review status: criteria provided, single submitter. Criteria: ACMG Guidelines, 2015. Collection method: clinical testing. Allele origin: germline.
Comment: This variant causes a G to T nucleotide change at the -7 position in the 5' untranslated region of the APC gene. Splice site prediction tools suggest that this variant may not impact RNA splicing. To our knowledge, functional studies have not been reported for this variant. This variant has not been reported in individuals affected with APC-related disorders in the literature. This variant has not been identified in the general population by the Genome Aggregation Database (gnomAD). The available evidence is insufficient to determine the role of this variant in disease conclusively. Therefore, this variant is classified as a Variant of Uncertain Significance.